The following is an entry in ClinVar:

NM_000222.3(KIT):c.2803A>T (p.Ile935Phe)

Gene: KIT (KIT proto-oncogene, receptor tyrosine kinase; plus strand). Cytogenetic location: 4q12.
Variant type: single nucleotide variant.
Coding change: c.2803A>T on transcript NM_000222.3 (MANE Select); coding-DNA position 2803, A replaced by T.
Protein change: p.Ile935Phe; replaces isoleucine 935 with phenylalanine.
Molecular consequence: missense variant.
Genome position (GRCh38, 1-based): chr4:54,738,429, A>T. VCF-style: chr4-54738429-A-T. GRCh37 (hg19) VCF-style: chr4-55604595-A-T.
Other names: c.2791A>T, p.Ile931Phe (NM_001093772.2, NM_001385292.1); c.2806A>T, p.Ile936Phe (NM_001385284.1); c.2800A>T, p.Ile934Phe (NM_001385285.1); c.2788A>T, p.Ile930Phe (NM_001385286.1); c.2794A>T, p.Ile932Phe (NM_001385288.1); c.2803A>T, p.Ile935Phe (NM_001385290.1); short protein forms I934F, I936F, I930F, I931F, I932F, I935F.
Identifiers: ClinVar variation 3649574 (VCV003649574.2).

ClinVar aggregate classification (germline): Uncertain significance (1 of 4 stars; one submission).

Conditions:
Gastrointestinal stromal tumor. Also called: Gastrointestinal stromal tumor, somatic; Gastrointestinal stroma tumor. Identifiers: Orphanet 44890, MedGen C0238198, MeSH D046152, MONDO:0011719, OMIM 606764, HP:0100723.

gnomAD v4.1: 1 of 1,613,930 alleles (0.000062%); highest among the groups gnomAD compares: Non-Finnish European, 0.000085%; no homozygotes.

Submission:

Labcorp Genetics (formerly Invitae), Labcorp
Classification: Uncertain significance for Gastrointestinal stromal tumor. Last evaluated: 2024-04-11. Review status: criteria provided, single submitter. Criteria: Invitae Variant Classification Sherloc (09022015). Collection method: clinical testing. Allele origin: germline.
Comment: This sequence change replaces isoleucine, which is neutral and non-polar, with phenylalanine, which is neutral and non-polar, at codon 935 of the KIT protein (p.Ile935Phe). This variant is not present in population databases (gnomAD no frequency). This variant has not been reported in the literature in individuals affected with KIT-related conditions. An algorithm developed to predict the effect of missense changes on protein structure and function (PolyPhen-2) suggests that this variant is likely to be tolerated. Algorithms developed to predict the effect of sequence changes on RNA splicing suggest that this variant may disrupt the consensus splice site. In summary, the available evidence is currently insufficient to determine the role of this variant in disease. Therefore, it has been classified as a Variant of Uncertain Significance.